The following is an entry in ClinVar:

NM_006231.4(POLE):c.605C>T (p.Thr202Ile)

Gene: POLE (DNA polymerase epsilon, catalytic subunit; minus strand). Cytogenetic location: 12q24.33.
Variant type: single nucleotide variant.
Coding change: c.605C>T on transcript NM_006231.4 (MANE Select); coding-DNA position 605, C replaced by T.
Protein change: p.Thr202Ile; replaces threonine 202 with isoleucine.
Molecular consequence: missense variant.
Genome position (GRCh38, 1-based): chr12:132,677,693, G>A on the plus strand (C>T on the coding strand, the complement: POLE is on the minus strand). VCF-style: chr12-132677693-G-A. GRCh37 (hg19) VCF-style: chr12-133254279-G-A.
Other names: c.605C>T (NM_006231.2); short protein forms T202I.
Identifiers: ClinVar variation 1050184 (VCV001050184.11), dbSNP rs1432402314, ClinGen allele CA387365397.

ClinVar aggregate classification (germline): Conflicting classifications of pathogenicity. Review status: criteria provided, conflicting classifications (1 of 4 stars). 3 submissions from 3 submitters: Uncertain significance (1); Likely benign (1). 1 of the submissions does not count toward it. Last evaluated 2025-05-03.

Conditions:
Hereditary cancer-predisposing syndrome. Also called: Tumor predisposition; Hereditary neoplastic syndrome; Hereditary Cancer Syndrome; Neoplastic Syndromes, Hereditary. Identifiers: Orphanet 140162, MedGen C0027672, MeSH D009386, MONDO:0015356.
Malignant tumor of breast. Also called: Malignant breast neoplasm; Cancer breast. Identifiers: MedGen C0006142, MONDO:0007254. Disease mechanism: loss of function.

Allele frequency attached by ClinVar (database versions not stated): gnomAD exomes below 0.00001; TOPMed below 0.00001.
gnomAD v4.1: 3 of 1,614,144 alleles (0.00019%); highest among the groups gnomAD compares: Non-Finnish European, 0.00025%; no homozygotes.

Submissions (3):

Ambry Genetics
Classification: Likely benign for Hereditary cancer-predisposing syndrome. Last evaluated: 2025-05-03. Review status: criteria provided, single submitter. Criteria: Ambry Variant Classification Scheme 2023. Collection method: clinical testing. Allele origin: germline.

Labcorp Genetics (formerly Invitae), Labcorp
Classification: Uncertain significance. Last evaluated: 2024-05-14. Review status: criteria provided, single submitter. Criteria: Invitae Variant Classification Sherloc (09022015). Collection method: clinical testing. Allele origin: germline.
Comment: This sequence change replaces threonine, which is neutral and polar, with isoleucine, which is neutral and non-polar, at codon 202 of the POLE protein (p.Thr202Ile). This variant is not present in population databases (gnomAD no frequency). This variant has not been reported in the literature in individuals affected with POLE-related conditions. ClinVar contains an entry for this variant (Variation ID: 1050184). Advanced modeling of protein sequence and biophysical properties (such as structural, functional, and spatial information, amino acid conservation, physicochemical variation, residue mobility, and thermodynamic stability) performed at Invitae indicates that this missense variant is not expected to disrupt POLE protein function with a negative predictive value of 80%. In summary, the available evidence is currently insufficient to determine the role of this variant in disease. Therefore, it has been classified as a Variant of Uncertain Significance.

Department of Pathology and Laboratory Medicine, Sinai Health System
Classification: Uncertain significance for Malignant tumor of breast. Review status: no assertion criteria provided. Collection method: clinical testing. Allele origin: unknown. Affected: yes. Study: The Canadian Open Genetics Repository (COGR). Not counted in ClinVar's aggregate classification.
Comment: The POLE p.Thr202Ile variant was identified in the literature however the frequency of this variant in an affected population was not provided (Campbell 2017). The variant was identified in dbSNP (rs1432402314). The variant was not identified in ClinVar, the Exome Aggregation Consortium (August 8th 2016), or the Genome Aggregation Database (Feb 27, 2017). The p.Thr202Ile residue is not conserved in mammals and four out of five computational analyses (PolyPhen-2, SIFT, AlignGVGD, BLOSUM, MutationTaster) do not suggest a high likelihood of impact to the protein; however, this information is not predictive enough to rule out pathogenicity. The variant occurs outside of the splicing consensus sequence and in silico or computational prediction software programs (SpliceSiteFinder, MaxEntScan, NNSPLICE, GeneSplicer) do not predict a difference in splicing. In summary, based on the above information the clinical significance of this variant cannot be determined with certainty at this time. This variant is classified as a variant of uncertain significance.